The following is an entry in ClinVar:

ClinVar aggregate classification (germline): Uncertain significance (1 of 4 stars; one submission).

Conditions:
Asphyxiating thoracic dystrophy 5 (SRTD5). Also called: SHORT-RIB THORACIC DYSPLASIA 5 WITH OR WITHOUT POLYDACTYLY; SHORT-RIB THORACIC DYSPLASIA 5 WITHOUT POLYDACTYLY. Identifiers: Orphanet 474, MedGen C3280598, MONDO:0013717, OMIM 614376.
Senior-Loken syndrome 8 (SLSN8). Identifiers: Orphanet 3156, MedGen C4225376, MONDO:0014579, OMIM 616307.

Allele frequency attached by ClinVar (database versions not stated): gnomAD exomes below 0.00001 and 0.00001; ExAC 0.00004.
gnomAD v4.1: 3 of 1,508,450 alleles (0.0002%); highest among the groups gnomAD compares: Non-Finnish European, 0.00027%; no homozygotes.

Submission:

Labcorp Genetics (formerly Invitae), Labcorp
Classification: Uncertain significance for Senior-Loken syndrome 8; Asphyxiating thoracic dystrophy 5. Last evaluated: 2022-04-19. Review status: criteria provided, single submitter. Criteria: Invitae Variant Classification Sherloc (09022015). Collection method: clinical testing. Allele origin: germline.
Comment: This sequence change replaces valine, which is neutral and non-polar, with alanine, which is neutral and non-polar, at codon 496 of the WDR19 protein (p.Val496Ala). This variant is present in population databases (rs772209665, gnomAD 0.002%). In summary, the available evidence is currently insufficient to determine the role of this variant in disease. Therefore, it has been classified as a Variant of Uncertain Significance. Algorithms developed to predict the effect of missense changes on protein structure and function (SIFT, PolyPhen-2, Align-GVGD) all suggest that this variant is likely to be tolerated. ClinVar contains an entry for this variant (Variation ID: 856140). This variant has not been reported in the literature in individuals affected with WDR19-related conditions.

NM_025132.4(WDR19):c.1487T>C (p.Val496Ala)

Gene: WDR19 (WD repeat domain 19; plus strand). Cytogenetic location: 4p14.
Variant type: single nucleotide variant.
Coding change: c.1487T>C on transcript NM_025132.4 (MANE Select); coding-DNA position 1487, T replaced by C.
Protein change: p.Val496Ala; replaces valine 496 with alanine.
Molecular consequence: missense variant.
Genome position (GRCh38, 1-based): chr4:39,224,891, T>C. VCF-style: chr4-39224891-T-C. GRCh37 (hg19) VCF-style: chr4-39226511-T-C.
Other names: c.1007T>C, p.Val336Ala (NM_001317924.2); short protein forms V496A, V336A.
Identifiers: ClinVar variation 856140 (VCV000856140.9), dbSNP rs772209665, ClinGen allele CA2891873.